The following is an entry in ClinVar:

NM_018263.6(ASXL2):c.3847C>T (p.Arg1283Cys)

Gene: ASXL2 (ASXL transcriptional regulator 2; minus strand). Cytogenetic location: 2p23.3.
Variant type: single nucleotide variant.
Coding change: c.3847C>T on transcript NM_018263.6 (MANE Select); coding-DNA position 3847, C replaced by T.
Protein change: p.Arg1283Cys; replaces arginine 1283 with cysteine.
Molecular consequence: missense variant.
Genome position (GRCh38, 1-based): chr2:25,742,490, G>A on the plus strand (C>T on the coding strand, the complement: ASXL2 is on the minus strand). VCF-style: chr2-25742490-G-A. GRCh37 (hg19) VCF-style: chr2-25965359-G-A.
Other names: c.3067C>T, p.Arg1023Cys (NM_001369347.1); c.3673C>T, p.Arg1225Cys (NM_001369346.1); c.3847C>T (NM_018263.4); short protein forms R1023C, R1225C, R1283C.
Identifiers: ClinVar variation 2427929 (VCV002427929.11), dbSNP rs377609636, ClinGen allele CA1557415.

ClinVar aggregate classification (germline): Conflicting classifications of pathogenicity. Review status: criteria provided, conflicting classifications (1 of 4 stars). 3 submissions from 3 submitters: Uncertain significance (2); Likely benign (1). Last evaluated 2023-08-10.

Conditions:
Shashi-Pena syndrome (SHAPNS). Identifiers: Orphanet 689408, MedGen C4310672, MONDO:0014963, OMIM 617190.
Inborn genetic diseases. Identifiers: MedGen C0950123, MeSH D030342.

Allele frequency attached by ClinVar (database versions not stated): ExAC 0.00002; gnomAD 0.00003; TOPMed 0.00004; ESP Exome Variant Server 0.00008.
gnomAD v4.1: 25 of 1,613,684 alleles (0.0015%); highest among the groups gnomAD compares: African/African-American, 0.011%; no homozygotes.

Submissions (3):

Labcorp Genetics (formerly Invitae), Labcorp
Classification: Uncertain significance. Last evaluated: 2023-08-10. Review status: criteria provided, single submitter. Criteria: Invitae Variant Classification Sherloc (09022015). Collection method: clinical testing. Allele origin: germline.
Comment: In summary, the available evidence is currently insufficient to determine the role of this variant in disease. Therefore, it has been classified as a Variant of Uncertain Significance. Advanced modeling of protein sequence and biophysical properties (such as structural, functional, and spatial information, amino acid conservation, physicochemical variation, residue mobility, and thermodynamic stability) performed at Invitae indicates that this missense variant is not expected to disrupt ASXL2 protein function. ClinVar contains an entry for this variant (Variation ID: 2427929). This variant has not been reported in the literature in individuals affected with ASXL2-related conditions. This variant is present in population databases (rs377609636, gnomAD 0.01%). This sequence change replaces arginine, which is basic and polar, with cysteine, which is neutral and slightly polar, at codon 1283 of the ASXL2 protein (p.Arg1283Cys).

Revvity Omics, Revvity
Classification: Uncertain significance for Shashi-Pena syndrome. Last evaluated: 2021-10-08. Review status: criteria provided, single submitter. Criteria: ACMG Guidelines, 2015. Collection method: clinical testing. Allele origin: germline.

Ambry Genetics
Classification: Likely benign for Inborn genetic diseases. Last evaluated: 2021-07-09. Review status: criteria provided, single submitter. Criteria: Ambry Variant Classification Scheme 2023. Collection method: clinical testing. Allele origin: germline.